The following is an entry in ClinVar:

ClinVar aggregate classification (germline): Pathogenic (1 of 4 stars; one submission).

Conditions:
Primary ciliary dyskinesia 16. Also called: CILIARY DYSKINESIA, PRIMARY, 16, WITH OR WITHOUT SITUS INVERSUS. Identifiers: Orphanet 244, MedGen C3151460, MONDO:0013525, OMIM 614017.

Submission:

Labcorp Genetics (formerly Invitae), Labcorp
Classification: Pathogenic for Primary ciliary dyskinesia 16. Last evaluated: 2022-09-02. Review status: criteria provided, single submitter. Criteria: Invitae Variant Classification Sherloc (09022015). Collection method: clinical testing. Allele origin: germline.
Comment: For these reasons, this variant has been classified as Pathogenic. This variant has not been reported in the literature in individuals affected with DNAL1-related conditions. This variant is a gross deletion of the genomic region encompassing exon(s) 6-7 of the DNAL1 gene. This deletion is out-of-frame, and is expected to create a premature termination codon and result in an absent or disrupted protein product. Loss-of-function variants in DNAL1 are known to be pathogenic (PMID: 21496787).

Literature cited by the submitters: PubMed 21496787.

NC_000014.8:g.(?_74153942)_(74156238_?)del

Gene: DNAL1 (dynein axonemal light chain 1; plus strand). Cytogenetic location: 14q24.3.
Variant type: Deletion.
Identifiers: ClinVar variation 2426971 (VCV002426971.4).